The following is an entry in ClinVar:

NM_000059.4(BRCA2):c.7073C>A (p.Ser2358Tyr)

Gene: BRCA2 (BRCA2 DNA repair associated; plus strand). Cytogenetic location: 13q13.1.
Variant type: single nucleotide variant.
Coding change: c.7073C>A on transcript NM_000059.4 (MANE Select); coding-DNA position 7073, C replaced by A.
Protein change: p.Ser2358Tyr; replaces serine 2358 with tyrosine.
Molecular consequence: missense variant. On other transcripts: non-coding transcript variant (1).
Genome position (GRCh38, 1-based): chr13:32,354,926, C>A. VCF-style: chr13-32354926-C-A. GRCh37 (hg19) VCF-style: chr13-32929063-C-A.
Other names: c.6977C>A, p.Ser2326Tyr (NM_001406719.1); c.7073C>A, p.Ser2358Tyr (NM_001406720.1); c.2141C>A, p.Ser714Tyr (NM_001406721.1); c.656C>A, p.Ser219Tyr (NM_001406722.1); short protein forms S2326Y, S714Y, S2358Y, S219Y.
Identifiers: ClinVar variation 2565964 (VCV002565964.2), dbSNP rs431825349, ClinGen allele CA387738413.

ClinVar aggregate classification (germline): Uncertain significance (1 of 4 stars; one submission).

Conditions:
Hereditary cancer-predisposing syndrome. Also called: Neoplastic Syndromes, Hereditary; Hereditary Cancer Syndrome; Hereditary neoplastic syndrome; Tumor predisposition. Identifiers: Orphanet 140162, MedGen C0027672, MeSH D009386, MONDO:0015356.

Submission:

Ambry Genetics
Classification: Uncertain significance for Hereditary cancer-predisposing syndrome. Last evaluated: 2023-03-19. Review status: criteria provided, single submitter. Criteria: Ambry Variant Classification Scheme 2023. Collection method: clinical testing. Allele origin: germline.
Comment: The p.S2358Y variant (also known as c.7073C>A), located in coding exon 13 of the BRCA2 gene, results from a C to A substitution at nucleotide position 7073. The serine at codon 2358 is replaced by tyrosine, an amino acid with dissimilar properties. This amino acid position is conserved. In addition, the in silico prediction for this alteration is inconclusive. Since supporting evidence is limited at this time, the clinical significance of this alteration remains unclear.